The following is an entry in ClinVar:

ClinVar aggregate classification (germline): Conflicting classifications of pathogenicity. Review status: criteria provided, conflicting classifications (1 of 4 stars). 6 submissions from 5 submitters: Likely pathogenic (2); Uncertain significance (4). Last evaluated 2024-06-03.

Conditions:
Mitochondrial complex I deficiency, nuclear type 4. Also called: Mitochondrial complex 1 deficiency, nuclear type 4. Identifiers: MedGen C4748753, MONDO:0032609, OMIM 618225.
Leigh syndrome (NULS). Also called: Leigh Disease; Subacute necrotizing encephalopathy; Necrotizing encephalopathy infantile subacute of Leigh; LEIGH SYNDROME, NUCLEAR; Leigh's syndrome; Leigh's necrotizing encephalopathy. Identifiers: Orphanet 506, MedGen C2931891, MONDO:0009723, OMIM 256000.
Mitochondrial complex I deficiency, nuclear type 1. Also called: NADH-COENZYME Q REDUCTASE DEFICIENCY; MITOCHONDRIAL NADH DEHYDROGENASE COMPONENT OF COMPLEX I, DEFICIENCY OF. Identifiers: MedGen C6022305, MONDO:0100224, OMIM 252010.

Allele frequency attached by ClinVar (database versions not stated): gnomAD exomes 0.00001 and 0.00002; ExAC 0.00002; TOPMed 0.00002; gnomAD 0.00003.
gnomAD v4.1: 18 of 1,614,126 alleles (0.0011%); highest among the groups gnomAD compares: East Asian, 0.0045%; no homozygotes.

Submissions (6):

Fulgent Genetics
Classification: Likely pathogenic for Mitochondrial complex I deficiency, nuclear type 4. Last evaluated: 2024-06-03. Review status: criteria provided, single submitter. Criteria: ACMG Guidelines, 2015. Collection method: clinical testing. Allele origin: germline.

Labcorp Genetics (formerly Invitae), Labcorp
Classification: Uncertain significance. Last evaluated: 2022-07-05. Review status: criteria provided, single submitter. Criteria: Invitae Variant Classification Sherloc (09022015). Collection method: clinical testing. Allele origin: germline.
Comment: This sequence change replaces arginine, which is basic and polar, with cysteine, which is neutral and slightly polar, at codon 256 of the NDUFV1 protein (p.Arg256Cys). This variant is present in population databases (rs755312472, gnomAD 0.01%). This variant has not been reported in the literature in individuals affected with NDUFV1-related conditions. ClinVar contains an entry for this variant (Variation ID: 802692). Advanced modeling of protein sequence and biophysical properties (such as structural, functional, and spatial information, amino acid conservation, physicochemical variation, residue mobility, and thermodynamic stability) performed at Invitae indicates that this missense variant is expected to disrupt NDUFV1 protein function. In summary, the available evidence is currently insufficient to determine the role of this variant in disease. Therefore, it has been classified as a Variant of Uncertain Significance.

Department of Pathology and Laboratory Medicine, Sinai Health System
Classification: Uncertain significance for Mitochondrial complex I deficiency, nuclear type 4. Last evaluated: 2022-07-04. Review status: criteria provided, single submitter. Criteria: ACMG Guidelines, 2015. Collection method: research. Allele origin: germline.

Mendelics
Classification: Likely pathogenic for Leigh syndrome. Last evaluated: 2019-05-28. Review status: criteria provided, single submitter. Criteria: Mendelics Assertion Criteria 2017. Collection method: clinical testing. Allele origin: unknown.

Illumina Laboratory Services, Illumina
Classification: Uncertain significance for Mitochondrial complex I deficiency, nuclear type 1. Last evaluated: 2018-01-13. Review status: criteria provided, single submitter. Criteria: ICSL Variant Classification Criteria 13 December 2019. Collection method: clinical testing. Allele origin: germline.

Illumina Laboratory Services, Illumina
Classification: Uncertain significance for Leigh syndrome. Last evaluated: 2018-01-13. Review status: criteria provided, single submitter. Criteria: ICSL Variant Classification Criteria 13 December 2019. Collection method: clinical testing. Allele origin: germline.

NM_007103.4(NDUFV1):c.766C>T (p.Arg256Cys)

Gene: NDUFV1 (NADH:ubiquinone oxidoreductase core subunit V1; plus strand). Cytogenetic location: 11q13.2.
Variant type: single nucleotide variant.
Coding change: c.766C>T on transcript NM_007103.4 (MANE Select); coding-DNA position 766, C replaced by T.
Protein change: p.Arg256Cys; replaces arginine 256 with cysteine.
Molecular consequence: missense variant.
Genome position (GRCh38, 1-based): chr11:67,611,060, C>T. VCF-style: chr11-67611060-C-T. GRCh37 (hg19) VCF-style: chr11-67378531-C-T.
Other names: c.739C>T, p.Arg247Cys (NM_001166102.2); short protein forms R256C, R247C.
Identifiers: ClinVar variation 802692 (VCV000802692.10), dbSNP rs755312472, ClinGen allele CA6143282.